The following is an entry in ClinVar:

ClinVar aggregate classification (germline): Benign (1 of 4 stars; one submission).

Conditions:
Neuropathy, hereditary sensory and autonomic, type 1C. Also called: HSAN IC; HSN IC. Identifiers: Orphanet 36386, MedGen C3150896, MONDO:0013337, OMIM 613640.

Allele frequency attached by ClinVar (database versions not stated): 1000 Genomes Project 0.00339; 1000 Genomes Project 30x 0.00359; gnomAD 0.00361 and 0.00392; TOPMed 0.00414.

Submission:

Illumina Laboratory Services, Illumina
Classification: Benign for Neuropathy, hereditary sensory and autonomic, type 1C. Last evaluated: 2018-01-13. Review status: criteria provided, single submitter. Criteria: ICSL Variant Classification Criteria 13 December 2019. Collection method: clinical testing. Allele origin: germline.
Comment: This variant was observed in the ICSL laboratory as part of a predisposition screen in an ostensibly healthy population. It had not been previously curated by ICSL or reported in the Human Gene Mutation Database (HGMD: prior to June 1st, 2018), and was therefore a candidate for classification through an automated scoring system. Utilizing variant allele frequency, disease prevalence and penetrance estimates, and inheritance mode, an automated score was calculated to assess if this variant is too frequent to cause the disease. Based on the score and internal cut-off values, a variant classified as benign is not then subjected to further curation. The score for this variant resulted in a classification of benign for this disease.

NM_004863.4(SPTLC2):c.*5892C>A

Gene: SPTLC2 (serine palmitoyltransferase long chain base subunit 2; minus strand). Cytogenetic location: 14q24.3.
Variant type: single nucleotide variant.
Coding change: c.*5892C>A on transcript NM_004863.4 (MANE Select); 5892 bases downstream of the stop codon, C replaced by A.
Molecular consequence: 3 prime UTR variant.
Genome position (GRCh38, 1-based): chr14:77,506,392, G>T on the plus strand (C>A on the coding strand, the complement: SPTLC2 is on the minus strand). VCF-style: chr14-77506392-G-T. GRCh37 (hg19) VCF-style: chr14-77972735-G-T.
Identifiers: ClinVar variation 884869 (VCV000884869.4), dbSNP rs140576195, ClinGen allele CA263817936.